The following is an entry in ClinVar:

NM_000260.4(MYO7A):c.2819C>T (p.Ser940Leu)

Gene: MYO7A (myosin VIIA; plus strand). Cytogenetic location: 11q13.5.
Variant type: single nucleotide variant.
Coding change: c.2819C>T on transcript NM_000260.4 (MANE Select); coding-DNA position 2819, C replaced by T.
Protein change: p.Ser940Leu; replaces serine 940 with leucine.
Molecular consequence: missense variant.
Genome position (GRCh38, 1-based): chr11:77,181,504, C>T. VCF-style: chr11-77181504-C-T. GRCh37 (hg19) VCF-style: chr11-76892550-C-T.
Other names: c.2819C>T, p.Ser940Leu (NM_001127180.2); c.2786C>T, p.Ser929Leu (NM_001369365.1); short protein forms S929L, S940L.
Identifiers: ClinVar variation 1015661 (VCV001015661.7), dbSNP rs1955180601, ClinGen allele CA381943028.
Genomic context (GRCh38, chr11:77,181,504, plus strand): 5'-GGCGGAAGAAGGAGCTCCTGGAGCAGATGGAAAGGGCCCGCCATGAGCCTGTCAATCACT[C>T]AGACATGGTGGACAAGATGTTTGGCTTCCTGGGGACTTCAGGTGGCCTGCCAGGCCAGGA-3'
Protein context (NP_000251.3, residues 930-950): ERARHEPVNH[Ser940Leu]DMVDKMFGFL

ClinVar aggregate classification (germline): Uncertain significance. Review status: criteria provided, single submitter (1 of 4 stars). 2 submissions from 2 submitters: Uncertain significance (1). 1 of the submissions does not count toward it. Last evaluated 2022-02-04.

Conditions:
Usher syndrome type 1B (USH1B). Also called: Usher syndrome type IB. Identifiers: MedGen C1848638, MONDO:0700087.

Allele frequency attached by ClinVar (database versions not stated): gnomAD 0.00001; TOPMed 0.00002.
gnomAD v4.1: 3 of 1,613,434 alleles (0.00019%); highest among the groups gnomAD compares: African/African-American, 0.0027%; no homozygotes.

Submissions (2):

Labcorp Genetics (formerly Invitae), Labcorp
Classification: Uncertain significance. Last evaluated: 2022-02-04. Review status: criteria provided, single submitter. Criteria: Invitae Variant Classification Sherloc (09022015). Collection method: clinical testing. Allele origin: germline.
Comment: This sequence change replaces serine, which is neutral and polar, with leucine, which is neutral and non-polar, at codon 940 of the MYO7A protein (p.Ser940Leu). This variant is not present in population databases (gnomAD no frequency). This variant has not been reported in the literature in individuals affected with MYO7A-related conditions. ClinVar contains an entry for this variant (Variation ID: 1015661). Algorithms developed to predict the effect of missense changes on protein structure and function are either unavailable or do not agree on the potential impact of this missense change (SIFT: "Deleterious"; PolyPhen-2: "Probably Damaging"; Align-GVGD: "Class C0"). In summary, the available evidence is currently insufficient to determine the role of this variant in disease. Therefore, it has been classified as a Variant of Uncertain Significance.

Natera, Inc.
Classification: Uncertain significance for Usher syndrome type 1B. Last evaluated: 2021-08-13. Review status: no assertion criteria provided. Collection method: clinical testing. Allele origin: germline. Not counted in ClinVar's aggregate classification.